The following is an entry in ClinVar:

ClinVar aggregate classification (germline): Uncertain significance. Review status: criteria provided, multiple submitters, no conflicts (2 of 4 stars). 2 submissions from 2 submitters: Uncertain significance (2). Last evaluated 2025-02-06.

Conditions:
Hereditary spastic paraplegia 30. Identifiers: Orphanet 101010, MedGen C5235139, MONDO:0012476.
Neuropathy, hereditary sensory, type 2C. Also called: KIF1A-Related HSAN2 (HSAN2C); Hereditary sensory and autonomic neuropathy type IIC. Identifiers: Orphanet 970, MedGen C3280168, MONDO:0013634, OMIM 614213.
Intellectual disability, autosomal dominant 9 (NESCAVS). Also called: NESCAV SYNDROME; KIF1A-Related Neurodevelopmental Disorder. Identifiers: Orphanet 662367, MedGen C5393830, MONDO:0013656, OMIM 614255.

Submissions (2):

Labcorp Genetics (formerly Invitae), Labcorp
Classification: Uncertain significance for Hereditary spastic paraplegia 30; Neuropathy, hereditary sensory, type 2C; Intellectual disability, autosomal dominant 9. Last evaluated: 2025-02-06. Review status: criteria provided, single submitter. Criteria: Invitae Variant Classification Sherloc (09022015). Collection method: clinical testing. Allele origin: germline.
Comment: This variant, c.4516_4518dup, results in the insertion of 1 amino acid(s) of the KIF1A protein (p.Ser1506dup), but otherwise preserves the integrity of the reading frame. This variant is not present in population databases (gnomAD no frequency). This variant has not been reported in the literature in individuals affected with KIF1A-related conditions. In summary, the available evidence is currently insufficient to determine the role of this variant in disease. Therefore, it has been classified as a Variant of Uncertain Significance.

Blueprint Genetics
Classification: Uncertain significance. Last evaluated: 2022-05-27. Review status: criteria provided, single submitter. Criteria: ACMG Guidelines, 2015. Collection method: clinical testing. Allele origin: germline.

NM_001244008.2(KIF1A):c.4816TCC[3] (p.Ser1607_Thr1608insSer)

Gene: KIF1A (kinesin family member 1A; minus strand). Cytogenetic location: 2q37.3.
Variant type: Microsatellite.
Coding change: c.4816TCC[3] on transcript NM_001244008.2 (MANE Select); three copies in a row of the 3-base unit TCC starting at c.4816; the reference has two copies in a row; one copy, 3 bases duplicated.
Protein change: p.Ser1607_Thr1608insSer.
Molecular consequence: inframe insertion. On other transcripts: inframe indel (1).
Genome position (GRCh38, 1-based): chr2:240,720,961-240,720,963, GGA duplicated on the plus strand (TCC on the coding strand, the reverse complement: KIF1A is on the minus strand); duplicating any 3 consecutive bases within chr2:240,720,961-240,720,968 gives the same sequence; the position shown is the placement nearest the transcript's 3' end. VCF-style (leftmost placement, unchanged base first): chr2-240720960-T-TGGA. GRCh37 (hg19) VCF-style: chr2-241660377-T-TGGA.
Other names: c.4540TCC[3], p.Ser1515_Thr1516insSer (NM_001320705.2, NM_001379649.1); c.4567TCC[3], p.Ser1524_Thr1525insSer (NM_001330289.2); c.4615TCC[3], p.Ser1540_Thr1541insSer (NM_001330290.2, NM_001379648.1); c.4891TCC[3], p.Ser1632_Thr1633insSer (NM_001379631.1); c.4792TCC[3], p.Ser1599_Thr1600insSer (NM_001379632.1); c.4789TCC[3], p.Ser1598_Thr1599insSer (NM_001379633.1, NM_001379645.1); c.4642TCC[3], p.Ser1549_Thr1550insSer (NM_001379634.1); c.4639TCC[3], p.Ser1548_Thr1549insSer (NM_001379635.1, NM_001379646.1); and 8 more.
Identifiers: ClinVar variation 2936516 (VCV002936516.4), dbSNP rs2045291658, ClinGen allele CA1339255957.
Genomic context (GRCh38, chr2:240,720,960, plus strand): 5'-TGGAGCTCACTCACCTCAGGTCAGTGGCACCGTACCGCCCTTCAACCAGAGAGGGGCAAG[T>TGGA]GGAGGAGGGGGTGAGAGTGGCCACCCCTAGAGGGGACATCGACGGGTCCCGGAGCAGGGT-3'